The following is an entry in ClinVar:

ClinVar aggregate classification (germline): Uncertain significance. Review status: criteria provided, multiple submitters, no conflicts (2 of 4 stars). 2 submissions from 2 submitters: Uncertain significance (2). Last evaluated 2025-09-25.

Conditions:
ZNF469-related disorder. Also called: ZNF469-related condition.
Cardiovascular phenotype. Identifiers: MedGen CN230736.

gnomAD v4.1: 1 of 1,550,430 alleles (0.000064%); highest among the groups gnomAD compares: Admixed American, 0.002%; no homozygotes.

Submissions (2):

PreventionGenetics, part of Exact Sciences
Classification: Uncertain significance for ZNF469-related condition. Last evaluated: 2025-09-25. Review status: criteria provided, single submitter. Criteria: ACMG Guidelines, 2015. Collection method: clinical testing. Allele origin: germline.
Comment: The ZNF469 c.5014G>A variant is predicted to result in the amino acid substitution p.Ala1672Thr. To our knowledge, this variant has not been reported in the literature or in a large population database (gnomAD), indicating this variant is rare. At this time, the clinical significance of this variant is uncertain due to the absence of conclusive functional and genetic evidence.

Ambry Genetics
Classification: Uncertain significance for Cardiovascular phenotype. Last evaluated: 2024-03-30. Review status: criteria provided, single submitter. Criteria: Ambry Variant Classification Scheme 2023. Collection method: clinical testing. Allele origin: germline.

NM_001367624.2(ZNF469):c.5098G>A (p.Ala1700Thr)

Gene: ZNF469 (zinc finger protein 469; plus strand). Cytogenetic location: 16q24.2.
Variant type: single nucleotide variant.
Coding change: c.5098G>A on transcript NM_001367624.2 (MANE Select); coding-DNA position 5098, G replaced by A.
Protein change: p.Ala1700Thr; replaces alanine 1700 with threonine.
Molecular consequence: missense variant.
Genome position (GRCh38, 1-based): chr16:88,432,568, G>A. VCF-style: chr16-88432568-G-A. GRCh37 (hg19) VCF-style: chr16-88498976-G-A.
Other names: NM_001127464.1:c.5014G>A; NM_001127464.2:c.5014G>A; short protein forms A1700T.
Identifiers: ClinVar variation 3258295 (VCV003258295.2).